The following is an entry in ClinVar:

ClinVar aggregate classification (germline): Pathogenic (1 of 4 stars; one submission).

Conditions:
Ichthyosis linearis circumflexa. Identifiers: MedGen C0265962, MONDO:0043106, HP:0025810.

Submission:

Labcorp Genetics (formerly Invitae), Labcorp
Classification: Pathogenic for Ichthyosis linearis circumflexa. Last evaluated: 2024-10-16. Review status: criteria provided, single submitter. Criteria: Invitae Variant Classification Sherloc (09022015). Collection method: clinical testing. Allele origin: germline.
Comment: This sequence change creates a premature translational stop signal (p.Glu480Lysfs*24) in the SPINK5 gene. It is expected to result in an absent or disrupted protein product. Loss-of-function variants in SPINK5 are known to be pathogenic (PMID: 11511292, 11841556). This variant is not present in population databases (gnomAD no frequency). This variant has not been reported in the literature in individuals affected with SPINK5-related conditions. ClinVar contains an entry for this variant (Variation ID: 529155). For these reasons, this variant has been classified as Pathogenic.

Literature cited by the submitters: PubMed 11511292; PubMed 11841556.

NM_006846.4(SPINK5):c.1437del (p.Glu480fs)

Gene: SPINK5 (serine peptidase inhibitor Kazal type 5; plus strand). Cytogenetic location: 5q32.
Variant type: Deletion.
Coding change: c.1437del on transcript NM_006846.4 (MANE Select); coding-DNA position 1437, one base deleted (A; older notation c.1437delA).
Protein change: p.Glu480fs; shifts the reading frame from glutamic acid 480.
Molecular consequence: frameshift variant.
Genome position (GRCh38, 1-based): chr5:148,104,958, A deleted; the last of 2 consecutive A bases (chr5:148,104,957-148,104,958); deleting either gives the same sequence. VCF-style (leftmost placement, unchanged base first): chr5-148104956-CA-C. GRCh37 (hg19) VCF-style: chr5-147484519-CA-C.
Other names: c.1437delA (NM_006846.3); c.1437del, p.Glu480fs (NM_001127698.2, NM_001127699.2); short protein forms E480fs.
Identifiers: ClinVar variation 529155 (VCV000529155.10), dbSNP rs1554104853, ClinGen allele CA658796657.